The following is an entry in ClinVar:

NM_006269.2(RP1):c.4105C>T (p.Gln1369Ter)

Gene: RP1 (RP1 axonemal microtubule associated; plus strand). Cytogenetic location: 8q12.1.
Variant type: single nucleotide variant.
Coding change: c.4105C>T on transcript NM_006269.2 (MANE Select); coding-DNA position 4105, C replaced by T.
Protein change: p.Gln1369Ter; replaces glutamine 1369 with a stop codon.
Molecular consequence: nonsense. On other transcripts: intron variant (1).
Genome position (GRCh38, 1-based): chr8:54,627,987, C>T. VCF-style: chr8-54627987-C-T. GRCh37 (hg19) VCF-style: chr8-55540547-C-T.
Other names: c.787+5699C>T (NM_001375654.1); short protein forms Q1369*.
Identifiers: ClinVar variation 1452985 (VCV001452985.6), dbSNP rs774428356, ClinGen allele CA4751801.
Genomic context (GRCh38, chr8:54,627,987, plus strand): 5'-GAAAACACATATACTGATAACTTGGATTCAACTGAAGAGTTAGAAAGAGGTGATGACATT[C>T]AGAAAGATCTAAATATTTTGACAGACCCTGAATATAAAAATGGATTTAATACATTGGTGT-3'

ClinVar aggregate classification (germline): Pathogenic (1 of 4 stars; one submission).

Allele frequency attached by ClinVar (database versions not stated): gnomAD exomes below 0.00001; ExAC 0.00001; gnomAD 0.00001.
gnomAD v4.1: 2 of 1,613,822 alleles (0.00012%); highest among the groups gnomAD compares: Admixed American, 0.0017%; no homozygotes.

Submission:

Labcorp Genetics (formerly Invitae), Labcorp
Classification: Pathogenic. Last evaluated: 2022-08-27. Review status: criteria provided, single submitter. Criteria: Invitae Variant Classification Sherloc (09022015). Collection method: clinical testing. Allele origin: germline.
Comment: This variant is present in population databases (rs774428356, gnomAD 0.0009%). This premature translational stop signal has been observed in individual(s) with autosomal recessive retinitis pigmentosa (PMID: 27596865). ClinVar contains an entry for this variant (Variation ID: 1452985). For these reasons, this variant has been classified as Pathogenic. This variant disrupts the C-terminus of the RP1 protein. Many variants that disrupt this region have been reported in individuals with either autosomal dominant or autosomal recessive retinitis pigmentosa (PMID: 11527933, 19933189, 29425069, 30027431, 33681214). Therefore, variants that disrupt this region are expected to be disease-causing. This sequence change creates a premature translational stop signal (p.Gln1369*) in the RP1 gene. While this is not anticipated to result in nonsense mediated decay, it is expected to disrupt the last 788 amino acid(s) of the RP1 protein.

Literature cited by the submitters: PubMed 27596865; PubMed 11527933; PubMed 19933189; PubMed 29425069; PubMed 30027431; PubMed 33681214.